The following is an entry in ClinVar:

NM_000360.4(TH):c.729C>G (p.Tyr243Ter)

Gene: TH (tyrosine hydroxylase; minus strand). Cytogenetic location: 11p15.5.
Variant type: single nucleotide variant.
Coding change: c.729C>G on transcript NM_000360.4 (MANE Select); coding-DNA position 729, C replaced by G.
Protein change: p.Tyr243Ter; replaces tyrosine 243 with a stop codon.
Molecular consequence: nonsense.
Genome position (GRCh38, 1-based): chr11:2,166,999, G>C on the plus strand (C>G on the coding strand, the complement: TH is on the minus strand). VCF-style: chr11-2166999-G-C. GRCh37 (hg19) VCF-style: chr11-2188229-G-C.
Other names: c.822C>G, p.Tyr274Ter (NM_199292.3); c.810C>G, p.Tyr270Ter (NM_199293.3); short protein forms Y243*, Y270*, Y274*.
Identifiers: ClinVar variation 4062323 (VCV004062323.2).

ClinVar aggregate classification (germline): Likely pathogenic (1 of 4 stars; one submission).

Conditions:
TH-deficient dopa-responsive dystonia. Also called: DYT-TH; Tyrosine Hydroxylase-Deficient Dopa-Responsive Dystonia; Segawa syndrome, autosomal recessive. Identifiers: Orphanet 101150, MedGen C2673535, MONDO:0011551, OMIM 605407.

gnomAD v4.1: 1 of 1,588,872 alleles (0.000063%); highest among the groups gnomAD compares: Non-Finnish European, 0.000086%; no homozygotes.

Submission:

Natera, Inc.
Classification: Likely pathogenic for Autosomal recessive Segawa syndrome. Last evaluated: 2025-01-28. Review status: criteria provided, single submitter. Criteria: Natera Variant Classification Schema (03/2026). Collection method: clinical testing. Allele origin: germline.
Comment: The c.822C>G variant in TH is a nonsense variant predicted to introduce a stop codon at amino acid 274. This variant is expected to result in nonsense mediated decay, truncation, or a dysfunctional protein product. This variant is rare in the general population with a frequency below the threshold expected for the associated phenotype(s). Given the available evidence, this variant is classified as Likely Pathogenic.